The following continues an entry in ClinVar:

NM_007294.4(BRCA1):c.5327C>T (p.Pro1776Leu)

Gene: BRCA1. ClinVar aggregate classification (germline): Conflicting classifications of pathogenicity. Uncertain significance (7); Likely benign (4).

Submissions 6 to 15 of 15:

Lupski Lab, Baylor-Hopkins CMG, Baylor College of Medicine
Classification: Likely benign for Breast-ovarian cancer, familial, susceptibility to, 1. Last evaluated: 2024-04-12. Review status: criteria provided, single submitter. Criteria: Dawood et al. (medRxiv. 2024). Collection method: curation. Allele origin: germline.
Comment: Each variant was annotated with functional scores from MAVE data which was translated into functional evidence codes. All other evidence codes and combining criteria were adhered to as closely as possible based on the ClinGen VCEP (Variant Curation Expert Panel) gene-specific recommendations. See Supplemental Figure 34 of final paper (Supp Fig. 28 in preprint: doi:10.1101/2024.04.11.24305690) for a table to see which lines of evidence we did not have data for. The ClinGen VCEPs are highly regarded as the gold-standard for gene-specific variant curation and are developed after extensive evaluation of the evidence by clinical and scientific experts for the particular gene to classify genomic variants on a spectrum from pathogenic to benign using the 2015 ACMG/AMP Variant Interpretation Guidelines as a backbone (PMID: 25741868). Reclassification of these VUS variants from gnomAD or All of Us focused only on variants originally prescribed as VUS in ClinVar. To ensure reproducibility, transparency, and increased throughput, all the procedures for annotating variants and assigning evidence codes were codified using Python. All code has been made freely available and is linked in the Code Availability section and all reclassified variants with evidence codes used can be found in Tables S18-19 (preprint: doi:10.1101/2024.04.11.24305690). For the MAVE data, the clinical curation and clinical strength assignment as per the ClinGen recommendations in Brnich et al. (2020) (PMID: 31892348) for or against pathogenicity or benignity of each of these MAVE datasets utilized in this study were previously published in Fayer et al. (2021) (PMID: 34793697).In brief, for BRCA1 variants, if a variant was categorized as FUNC (functional), it was assigned BS3 evidence and no PS3 evidence, whereas if it was categorized as LOF (loss of function), the variant was assigned PS3 evidence and no BS3 evidence. Variants categorized as INT (intermediate) were left unannotated. For the BRCA1 combining criteria, greater than or equal to 1 criteria of strong benign evidence was enough to reclassify the VUS as Likely Benign. This variant GRCh38:17:43051068:G>A was assigned evidence codes ['BS3'] and an overall classification of Likely benign

Color Diagnostics, LLC DBA Color Health
Classification: Uncertain significance for Hereditary cancer-predisposing syndrome. Last evaluated: 2024-02-22. Review status: criteria provided, single submitter. Criteria: ACMG Guidelines, 2015. Collection method: clinical testing. Allele origin: germline.
Comment: This missense variant replaces proline with leucine at codon 1776 of the BRCA1 protein. Computational prediction is inconclusive regarding the impact of this variant on protein structure and function. A function study reported that this variant does not impact BRCA1 function and has no significant impact on RNA abundance in a haploid human cell proliferation assay (PMID: 30209399). This variant has been reported in a breast cancer case-control study in 1/7051 female breast cancer cases and absent in 11241 unaffected individuals (PMID: 30287823). This variant also has been reported in a pancreatic cancer and a prostate cancer case-control study in which it was reported to be absent in cancer cases and found in three unaffected individuals (PMID: 31214711, 32980694). This variant has been identified in 1/251374 chromosomes in the general population by the Genome Aggregation Database (gnomAD). The available evidence is insufficient to determine the role of this variant in disease conclusively. Therefore, this variant is classified as a Variant of Uncertain Significance.

Baylor Genetics
Classification: Uncertain significance for Breast-ovarian cancer, familial, susceptibility to, 1. Last evaluated: 2023-11-30. Review status: criteria provided, single submitter. Criteria: ACMG Guidelines, 2015. Collection method: clinical testing. Allele origin: unknown.

Ambry Genetics
Classification: Likely benign for Hereditary cancer-predisposing syndrome. Last evaluated: 2022-07-26. Review status: criteria provided, single submitter. Criteria: Ambry Variant Classification Scheme 2023. Collection method: clinical testing. Allele origin: germline.

ARUP Laboratories, Molecular Genetics and Genomics, ARUP Laboratories
Classification: Uncertain significance. Last evaluated: 2020-07-07. Review status: criteria provided, single submitter. Criteria: ARUP Molecular Germline Variant Investigation Process. Collection method: clinical testing. Allele origin: germline.
Comment: The BRCA1 c.5327C>T; p.Pro1776Leu variant (rs398122695), also known as 5446C>T, is reported in the literature in at least one individual affected with breast cancer, but without clear association with disease (Momozawa 2018). This variant is reported in ClinVar (Variation ID: 91647), and is only observed on one allele in the Genome Aggregation Database, indicating it is not a common polymorphism. The proline at codon 1776 is moderately conserved, and computational analyses (SIFT: damaging, PolyPhen-2: benign) predict conflicting effects of this variant on protein structure/function. Due to limited information, the clinical significance of the p.Pro1776Leu variant is uncertain at this time. References: Momozawa Y et al. Germline pathogenic variants of 11 breast cancer genes in 7,051 Japanese patients and 11,241 controls. Nat Commun. 2018;9(1):4083.

GeneDx
Classification: Uncertain significance. Last evaluated: 2016-08-30. Review status: criteria provided, single submitter. Criteria: GeneDx Variant Classification (06012015). Collection method: clinical testing. Allele origin: germline. Affected: yes.
Comment: This variant is denoted BRCA1 c.5327C>T at the cDNA level, p.Pro1776Leu (P1776L) at the protein level, and results in the change of a Proline to a Leucine (CCC>CTC). Using alternate nomenclature this variant would be defined as BRCA1 5446C>T. This variant has not, to our knowledge, been published in the literature as pathogenic or benign. BRCA1 Pro1776Leu was not observed in approximately 6,500 individuals of European and African American ancestry in the NHLBI Exome Sequencing Project, suggesting it is not a common benign variant in these populations. Since Proline and Leucine differ in some properties, this is considered a semi-conservative amino acid substitution. BRCA1 Pro1776Leu occurs at a position that is not conserved and is located in the second BRCT domain and a region known to interact with multiple other proteins (Paul 2014, UniProt). In silico analyses predict that this variant is probably damaging to protein structure and function. Based on currently available information, it is unclear whether BRCA1 Pro1776Leu is pathogenic or benign. We consider it to be a variant of uncertain significance.

PreventionGenetics, part of Exact Sciences
Classification: Uncertain significance for BRCA1-related condition. Last evaluated: 2024-04-29. Review status: no assertion criteria provided. Collection method: clinical testing. Allele origin: germline. Not counted in ClinVar's aggregate classification.
Comment: The BRCA1 c.5327C>T variant is predicted to result in the amino acid substitution p.Pro1776Leu. This variant has been reported in individuals with breast or biliary tract cancer (also known as c.5390C>T, p.Pro1797Leu in Supplementary Table 2 in Okawa et al. 2023. PubMed ID: 36243179; Momozawa et al 2018. PubMed ID: 30287823). Functional studies revealed that this variant does not affect BRCA1 function (chr17:41203085 in Supplementary Table 2 in Findlay et al. 2018. PubMed ID: 30209399; Fernandes VC et al 2019. PubMed ID: 30765603). This variant is reported in 0.0062% of alleles in individuals of African descent in gnomAD and has conflicting interpretations in ClinVar ranging from uncertain to likely benign. At this time, the clinical significance of this variant is uncertain due to the absence of conclusive functional and genetic evidence.

Counsyl
Classification: Uncertain significance for Breast-ovarian cancer, familial, susceptibility to, 1. Last evaluated: 2016-02-09. Review status: no assertion criteria provided. Collection method: clinical testing. Allele origin: unknown. Not counted in ClinVar's aggregate classification.

Sharing Clinical Reports Project (SCRP)
Classification: Uncertain significance for Breast-ovarian cancer, familial 1. Last evaluated: 2007-11-14. Review status: no assertion criteria provided. Collection method: clinical testing. Allele origin: germline. Not counted in ClinVar's aggregate classification.

Brotman Baty Institute, University of Washington
No classification provided (evidence only). Condition: Breast-ovarian cancer, familial 1. Review status: no classification provided. Collection method: in vitro. Allele origin: not applicable. Functional consequence: functionally_normal. Not counted in ClinVar's aggregate classification.
ClinVar note: "not provided" was previously submitted as the classification for the variant. However, the classification appeared to be based only on an observation of functional data so it was converted to no classification on 2025-07-30.

Literature cited by the submitters: PubMed 30209399 (cited by 6 submitters); PubMed 30287823 (cited by 6 submitters); PubMed 30765603 (cited by 4 submitters); PubMed 36243179 (cited by Quest Diagnostics Nichols Institute San Juan Capistrano); PubMed 31214711 (cited by 3 submitters); PubMed 32980694 (cited by All of Us Research Program, National Institutes of Health and Color Diagnostics, LLC DBA Color Health); PubMed 39142283 (cited by Lupski Lab, Baylor-Hopkins CMG, Baylor College of Medicine); PubMed 34793697 (cited by Lupski Lab, Baylor-Hopkins CMG, Baylor College of Medicine and Ambry Genetics); DOI 10.1101/2024.04.11.24305690 (cited by Lupski Lab, Baylor-Hopkins CMG, Baylor College of Medicine).